The following is an entry in ClinVar:

NM_005422.4(TECTA):c.5587-31T>C

Genes: TBCEL-TECTA (TBCEL-TECTA readthrough; plus strand), TECTA (tectorin alpha; plus strand). Cytogenetic location: 11q23.3.
Variant type: single nucleotide variant.
Coding change: c.5587-31T>C on transcript NM_005422.4 (MANE Select); 31 bases into the intron before coding-DNA position 5587, T replaced by C.
Molecular consequence: intron variant.
Genome position (GRCh38, 1-based): chr11:121,168,023, T>C. VCF-style: chr11-121168023-T-C. GRCh37 (hg19) VCF-style: chr11-121038732-T-C.
Other names: c.6529-31T>C (NM_001378761.1).
Identifiers: ClinVar variation 5007808 (VCV005007808.2).
Genomic context (GRCh38, chr11:121,168,023, plus strand): 5'-CATTTCTCCACTTTCAGGGATATGGATTTGATATGCAAGCTACATACTCACTCCCAGATG[T>C]AACGATTTCTGACTTCCCCTTGTTCTGCAGTCCAATGGCACGCATATCATGTATAAAAAC-3'

ClinVar aggregate classification (germline): Uncertain significance (1 of 4 stars; one submission).

Conditions:
Autosomal recessive nonsyndromic hearing loss 21. Identifiers: Orphanet 90636, MedGen C1863655, MONDO:0011351, OMIM 603629.
Autosomal dominant nonsyndromic hearing loss 12. Also called: DEAFNESS, AUTOSOMAL DOMINANT 8. Identifiers: Orphanet 90635, MedGen C1832187, MONDO:0011102, OMIM 601543.

gnomAD v4.1: 3 of 1,613,914 alleles (0.00019%); highest among the groups gnomAD compares: East Asian, 0.0045%; no homozygotes.

Submission:

Juno Genomics, Hangzhou Juno Genomics, Inc
Classification: Uncertain significance for Autosomal dominant nonsyndromic hearing loss 12; Autosomal recessive nonsyndromic hearing loss 21. Review status: criteria provided, single submitter. Criteria: ACMG Guidelines, 2015. Collection method: clinical testing. Allele origin: germline.
Comment: Absent from controls (or at extremely low frequency if recessive) in Genome Aggregation Database.;Multiple lines of computational evidence support a deleterious effect on the gene or gene product.